The following is an entry in ClinVar:

ClinVar aggregate classification (germline): Uncertain significance (1 of 4 stars; one submission).

Allele frequency attached by ClinVar (database versions not stated): TOPMed 0.00002; gnomAD exomes 0.00003 and 0.00009; gnomAD 0.00004; ESP Exome Variant Server 0.00008; ExAC 0.00009.
gnomAD v4.1: 53 of 1,613,916 alleles (0.0033%); highest among the groups gnomAD compares: Admixed American, 0.0017%; no homozygotes.

Submission:

GeneDx
Classification: Uncertain significance. Last evaluated: 2021-09-28. Review status: criteria provided, single submitter. Criteria: GeneDx Variant Classification Process June 2021. Collection method: clinical testing. Allele origin: germline. Affected: yes.
Comment: In silico analysis supports that this missense variant has a deleterious effect on protein structure/function; Has not been previously published as pathogenic or benign to our knowledge

NM_007118.4(TRIO):c.4931C>T (p.Thr1644Met)

Genes: TRIO (trio Rho guanine nucleotide exchange factor; plus strand), LOC126807322 (P300/CBP strongly-dependent group 1 enhancer GRCh37_chr5:14406263-14407462; plus strand). Cytogenetic location: 5p15.2.
Variant type: single nucleotide variant.
Coding change: c.4931C>T on transcript NM_007118.4 (MANE Select); coding-DNA position 4931, C replaced by T.
Protein change: p.Thr1644Met; replaces threonine 1644 with methionine.
Molecular consequence: missense variant. On other transcripts: non-coding transcript variant (1).
Genome position (GRCh38, 1-based): chr5:14,406,644, C>T. VCF-style: chr5-14406644-C-T. GRCh37 (hg19) VCF-style: chr5-14406753-C-T.
Other names: short protein forms T1644M.
Identifiers: ClinVar variation 1675286 (VCV001675286.2), dbSNP rs55687522, ClinGen allele CA3206616.